The following is an entry in ClinVar:

ClinVar aggregate classification (germline): Likely benign (1 of 4 stars; one submission).

Submission:

GeneDx
Classification: Likely benign. Last evaluated: 2018-02-22. Review status: criteria provided, single submitter. Criteria: GeneDx Variant Classification (06012015). Collection method: clinical testing. Allele origin: germline. Affected: yes.
Comment: This variant is considered likely benign or benign based on one or more of the following criteria: it is a conservative change, it occurs at a poorly conserved position in the protein, it is predicted to be benign by multiple in silico algorithms, and/or has population frequency not consistent with disease.

NM_001378120.1(MBD5):c.354C>T (p.Ala118=)

Gene: MBD5 (methyl-CpG binding domain protein 5; plus strand). Cytogenetic location: 2q23.1.
Variant type: single nucleotide variant.
Coding change: c.354C>T on transcript NM_001378120.1 (MANE Select); coding-DNA position 354, C replaced by T.
Protein change: p.Ala118=; no amino-acid change (alanine 118 retained).
Molecular consequence: synonymous variant.
Genome position (GRCh38, 1-based): chr2:148,463,876, C>T. VCF-style: chr2-148463876-C-T. GRCh37 (hg19) VCF-style: chr2-149221445-C-T.
Other names: c.354C>T, p.Ala118= (NM_018328.5).
Identifiers: ClinVar variation 515603 (VCV000515603.1), dbSNP rs1385280226, ClinGen allele CA429221939.
Genomic context (GRCh38, chr2:148,463,876, plus strand): 5'-GCTATGCATACATAAAAGAAAAATTATTGCAGTGGCCACACTTCATAAAAGCATGGAAGC[C>T]CCACATCCTTCTCTGGTGCTCACCAGTCCCGGAGGAGGAACAAGTATGTAATATGGTGAA-3'
Protein context (NP_001365049.1, residues 108-128): AVATLHKSME[Ala118=]PHPSLVLTSP